The following is an entry in ClinVar:

NM_001009944.3(PKD1):c.4572_4574del (p.Val1525del)

Gene: PKD1 (polycystin 1, transient receptor potential channel interacting; minus strand). Cytogenetic location: 16p13.3.
Variant type: Deletion.
Coding change: c.4572_4574del on transcript NM_001009944.3 (MANE Select); coding-DNA positions 4572 to 4574, 3 bases deleted (CGT; older notation c.4572_4574delCGT).
Protein change: p.Val1525del; deletes valine 1525.
Molecular consequence: inframe deletion.
Genome position (GRCh38, 1-based): chr16:2,110,593-2,110,595, ACG deleted on the plus strand (CGT on the coding strand, the reverse complement: PKD1 is on the minus strand). VCF-style (leftmost placement, unchanged base first): chr16-2110592-AACG-A. GRCh37 (hg19) VCF-style: chr16-2160593-AACG-A.
Other names: c.4572_4574del, p.Val1525del (NM_000296.4); short protein forms V1525del.
Identifiers: ClinVar variation 1805450 (VCV001805450.1), dbSNP rs2544820567, ClinGen allele CA2573102949.

ClinVar aggregate classification (germline): Uncertain significance (1 of 4 stars; one submission).

Conditions:
Polycystic kidney disease, adult type (PKD1). Also called: Polycystic Kidney Disease 1, Autosomal Dominant; Polycystic kidney disease 1; Polycystic kidney disease 1, severe; Polycystic Kidney, Autosomal Dominant; POLYCYSTIC KIDNEY DISEASE 1 WITH OR WITHOUT POLYCYSTIC LIVER DISEASE; POLYCYSTIC KIDNEY DISEASE, ADULT, TYPE I. Identifiers: MedGen C3149841, MONDO:0008263, OMIM 173900.

Submission:

Victorian Clinical Genetics Services, Murdoch Childrens Research Institute
Classification: Uncertain significance for Polycystic kidney disease, adult type. Last evaluated: 2022-06-24. Review status: criteria provided, single submitter. Criteria: ACMG Guidelines, 2015. Collection method: clinical testing. Allele origin: germline. Inheritance: Autosomal dominant inheritance.
Comment: Based on the classification scheme VCGS_Germline_v1.3.4, this variant is classified as VUS-3A. Following criteria are met: 0102 - Loss of function is a known mechanism of disease in this gene and is associated with polycystic kidney disease 1 (MIM#173900). (I) 0107 - This gene is associated with autosomal dominant disease. Polycystic kidney disease 1 (MIM#173900) is predominantly caused by monoallelic variants, with rare reports of biallelic variants causing disease (OMIM). (I) 0216 - In-frame deletion in a non-repetitive region that has low conservation. (SP) 0251 - This variant is heterozygous. (I) 0301 - Variant is absent from gnomAD (both v2 and v3). (SP) 0600 - Variant is located in the annotated PKD10 domain (DECIPHER, Uniprot). (I) 0705 - No comparable missense variants have previous evidence for pathogenicity. (I) 0807 - This variant has no previous evidence of pathogenicity. (I) 0905 - No published segregation evidence has been identified for this variant. (I) 1007 - No published functional evidence has been identified for this variant. (SP) Legend: (SP) - Supporting pathogenic, (I) - Information, (SB) - Supporting benign